The following is an entry in ClinVar:

ClinVar aggregate classification (germline): Pathogenic. Review status: criteria provided, single submitter (1 of 4 stars). 2 submissions from 1 submitter: Pathogenic (1). 1 of the submissions does not count toward it. Last evaluated 2022-10-04.

Conditions:
Severe X-linked myotubular myopathy (CNMX). Also called: MYOTUBULAR MYOPATHY 1; X-linked centronuclear myopathy; Myotubular myopathy, X-linked. Identifiers: Orphanet 596, MedGen C0410203, MONDO:0010683, OMIM 310400.
X-linked myopathy with excessive autophagy (AVM). Also called: Vacuolar myopathy; Autophagic vacuolar myopathy. Identifiers: Orphanet 25980, MedGen C1839615, MONDO:0010684, OMIM 310440.

Submissions (2):

Labcorp Genetics (formerly Invitae), Labcorp
Classification: Pathogenic for Severe X-linked myotubular myopathy. Last evaluated: 2022-10-04. Review status: criteria provided, single submitter. Criteria: Invitae Variant Classification Sherloc (09022015). Collection method: clinical testing. Allele origin: germline.
Comment: A gross deletion of the genomic region encompassing the full coding sequence of the MTM1 gene has been identified. Loss-of-function variants in MTM1 are known to be pathogenic (PMID: 9305655, 10063835). The boundaries of this event are unknown as they extend beyond the assayed region for this gene and therefore may encompass additional genes. A similar copy number variant has been observed in individuals with myotubular myopathy (PMID: 9305655, 10449925, 15725586, 20434914). For these reasons, this variant has been classified as Pathogenic.

Labcorp Genetics (formerly Invitae), Labcorp
Classification: Uncertain significance for X-linked myopathy with excessive autophagy. Last evaluated: 2022-10-04. Review status: flagged submission. Criteria: Invitae Variant Classification Sherloc (09022015). Collection method: clinical testing. Allele origin: germline. Not counted in ClinVar's aggregate classification.
Comment: A gross deletion of the genomic region encompassing the full coding sequence of the VMA21 gene has been identified. The current clinical and genetic evidence is not sufficient to establish whether loss-of-function variants in VMA21 cause disease. The boundaries of this event are unknown as they extend beyond the assayed region for this gene and therefore may encompass additional genes. This variant has not been reported in the literature in individuals affected with VMA21-related conditions. In summary, the available evidence is currently insufficient to determine the role of this variant in disease. Therefore, it has been classified as a Variant of Uncertain Significance.
ClinVar note: Notes: This submission was flagged because its interpretation of this variant conflicts with the ClinGen Gene Dosage Map curation for the gene MTM1.
ClinVar note: Reason: Conflict with ClinGen Gene Dosage Map

Literature cited by the submitters: PubMed 9305655; PubMed 10063835; PubMed 10449925; PubMed 15725586; PubMed 20434914.

NC_000023.10:g.(?_149613783)_(150573536_?)del

Genes: CD99L2 (CD99 molecule like 2; minus strand), GPR50 (G protein-coupled receptor 50; plus strand), GPR50-AS1 (GPR50 antisense RNA 1; minus strand), HMGB3 (high mobility group box 3; plus strand), MAMLD1 (mastermind like domain containing 1; plus strand) and 3 more. Cytogenetic location: Xq28.
Variant type: Deletion.
Identifiers: ClinVar variation 2422668 (VCV002422668.4).